The following is an entry in ClinVar:

ClinVar aggregate classification (germline): Pathogenic (1 of 4 stars; one submission).

Conditions:
Ataxia-telangiectasia syndrome (AT). Also called: Ataxia-telangiectasia, complementation group E; Ataxia telangiectasia (A-T); LOUIS-BAR SYNDROME; Ataxia-telangiectasia, complementation group D; AT, COMPLEMENTATION GROUP C; Ataxia-telangiectasia. Identifiers: Orphanet 100, MedGen C0004135, MONDO:0008840, OMIM 208900.

Submission:

Labcorp Genetics (formerly Invitae), Labcorp
Classification: Pathogenic for Ataxia-telangiectasia syndrome. Last evaluated: 2022-01-07. Review status: criteria provided, single submitter. Criteria: Invitae Variant Classification Sherloc (09022015). Collection method: clinical testing. Allele origin: germline.
Comment: For these reasons, this variant has been classified as Pathogenic. ClinVar contains an entry for this variant (Variation ID: 838356). This variant has not been reported in the literature in individuals affected with ATM-related conditions. This variant is not present in population databases (gnomAD no frequency). This sequence change creates a premature translational stop signal (p.Asp1914Alafs*3) in the ATM gene. It is expected to result in an absent or disrupted protein product. Loss-of-function variants in ATM are known to be pathogenic (PMID: 23807571, 25614872).

Literature cited by the submitters: PubMed 23807571; PubMed 25614872.

NM_000051.4(ATM):c.5741del (p.Asp1914fs)

Gene: ATM (ATM serine/threonine kinase; plus strand). Cytogenetic location: 11q22.3.
Variant type: Deletion.
Coding change: c.5741del on transcript NM_000051.4 (MANE Select); coding-DNA position 5741, one base deleted (A; older notation c.5741delA).
Protein change: p.Asp1914fs; shifts the reading frame from aspartic acid 1914.
Molecular consequence: frameshift variant.
Genome position (GRCh38, 1-based): chr11:108,307,963, A deleted. VCF-style (leftmost placement, unchanged base first): chr11-108307962-GA-G. GRCh37 (hg19) VCF-style: chr11-108178689-GA-G.
Other names: c.5741del, p.Asp1914fs (NM_001351834.2); short protein forms D1914fs.
Identifiers: ClinVar variation 838356 (VCV000838356.7), dbSNP rs2083821626, ClinGen allele CA916080506.
Genomic context (GRCh38, chr11:108,307,962, plus strand): 5'-GAGCACTTTTTCCGATGCTGTTTGGATAAAAAATCACAAAGAACAATGCTTGCTGTTGTG[GA>G]CTACATGAGAAGACAAAAGAGGTAATGTAATGAGTGTTGCTTCTTACGTTTAGGATCTAG-3'